The following is an entry in ClinVar:

NM_001166108.2(PALLD):c.2188A>C (p.Thr730Pro)

Genes: CBR4 (carbonyl reductase 4; minus strand), PALLD (palladin, cytoskeletal associated protein; plus strand). Cytogenetic location: 4q32.3.
Variant type: single nucleotide variant.
Coding change: c.2188A>C on transcript NM_001166108.2 (MANE Select); coding-DNA position 2188, A replaced by C.
Protein change: p.Thr730Pro; replaces threonine 730 with proline.
Molecular consequence: missense variant.
Genome position (GRCh38, 1-based): chr4:168,894,666, A>C. VCF-style: chr4-168894666-A-C. GRCh37 (hg19) VCF-style: chr4-169815817-A-C.
Other names: c.1042A>C, p.Thr348Pro (NM_001166109.2); c.727A>C, p.Thr243Pro (NM_001166110.2); c.67A>C, p.Thr23Pro (NM_001367567.1, NM_001367568.1, NM_001367569.1 and 1 more transcripts); c.2188A>C, p.Thr730Pro (NM_016081.4); short protein forms T243P, T348P, T730P, T23P.
Identifiers: ClinVar variation 1787360 (VCV001787360.2), dbSNP rs1398289867, ClinGen allele CA358797813.
Genomic context (GRCh38, chr4:168,894,666, plus strand): 5'-CGTCGACTGCTAGGTGCTGACAGTGCAACTGTCTTTAATATTCAGGAGCCAGAAGAGGAA[A>C]CAGCTAATCAGGTACCATGTTGCTCTGGACTTCTTAGGGTAACATTTATTCTGTCCCCCT-3'
Protein context (NP_001159580.1, residues 720-740): VFNIQEPEEE[Thr730Pro]ANQDIGSPHA

ClinVar aggregate classification (germline): Uncertain significance (1 of 4 stars; one submission).

gnomAD v4.1: 2 of 1,613,460 alleles (0.00012%); highest among the groups gnomAD compares: Middle Eastern, 0.017%; no homozygotes.

Submission:

Ambry Genetics
Classification: Uncertain significance. Last evaluated: 2022-03-16. Review status: criteria provided, single submitter. Criteria: Ambry Variant Classification Scheme 2023. Collection method: clinical testing. Allele origin: germline.
Comment: The p.T730P variant (also known as c.2188A>C), located in coding exon 11 of the PALLD gene, results from an A to C substitution at nucleotide position 2188. The threonine at codon 730 is replaced by proline, an amino acid with highly similar properties. This amino acid position is conserved. In addition, this alteration is predicted to be tolerated by in silico analysis. Since supporting evidence is limited at this time, the clinical significance of this alteration remains unclear.